The following is an entry in ClinVar:

NM_005236.3(ERCC4):c.872T>A (p.Leu291Ter)

Gene: ERCC4 (ERCC excision repair 4, endonuclease catalytic subunit; plus strand). Cytogenetic location: 16p13.12.
Variant type: single nucleotide variant.
Coding change: c.872T>A on transcript NM_005236.3 (MANE Select); coding-DNA position 872, T replaced by A.
Protein change: p.Leu291Ter; replaces leucine 291 with a stop codon.
Molecular consequence: nonsense.
Genome position (GRCh38, 1-based): chr16:13,930,789, T>A. VCF-style: chr16-13930789-T-A. GRCh37 (hg19) VCF-style: chr16-14024646-T-A.
Other names: short protein forms L291*.
Identifiers: ClinVar variation 2181510 (VCV002181510.4), dbSNP rs900093826, ClinGen allele CA278466697.
Genomic context (GRCh38, chr16:13,930,789, plus strand): 5'-ATCCTTTGTGGCACCAGCTTGGAGCCAAGACTAAATCCTTAGTTCAGGATTTGAAGATAT[T>A]ACGAACTTTGCTGCAGTATCTCTCTCAGTATGATTGTGTCACATTTCTTAATCTTCTGGA-3'

ClinVar aggregate classification (germline): Pathogenic (1 of 4 stars; one submission).

Conditions:
Xeroderma pigmentosum, group F (XPF). Also called: XERODERMA PIGMENTOSUM VI; XP, GROUP F; XERODERMA PIGMENTOSUM, COMPLEMENTATION GROUP F; ERCC4-Related Xeroderma Pigmentosum; XERODERMA PIGMENTOSUM, TYPE F; Xeroderma pigmentosum, type 6. Identifiers: MedGen C0268140, MONDO:0010215, OMIM 278760.
Cockayne syndrome. Identifiers: Orphanet 191, MedGen C0009207, MONDO:0016006.
Fanconi anemia complementation group Q. Identifiers: Orphanet 84, MedGen C3808988, MONDO:0014108, OMIM 615272.

Allele frequency attached by ClinVar (database versions not stated): gnomAD exomes 0.00001.

Submission:

Labcorp Genetics (formerly Invitae), Labcorp
Classification: Pathogenic for Fanconi anemia complementation group Q; Xeroderma pigmentosum, group F; Cockayne syndrome. Last evaluated: 2022-02-05. Review status: criteria provided, single submitter. Criteria: Invitae Variant Classification Sherloc (09022015). Collection method: clinical testing. Allele origin: germline.
Comment: This sequence change creates a premature translational stop signal (p.Leu291*) in the ERCC4 gene. It is expected to result in an absent or disrupted protein product. Loss-of-function variants in ERCC4 are known to be pathogenic (PMID: 9580660). This variant is not present in population databases (gnomAD no frequency). This variant has not been reported in the literature in individuals affected with ERCC4-related conditions. For these reasons, this variant has been classified as Pathogenic.

Literature cited by the submitters: PubMed 9580660.